The following is an entry in ClinVar:

ClinVar aggregate classification (germline): Pathogenic. Review status: criteria provided, single submitter (1 of 4 stars). 2 submissions from 2 submitters: Pathogenic (1). 1 of the submissions does not count toward it. Last evaluated 2026-01-24.

Conditions:
Anauxetic dysplasia. Identifiers: Orphanet 93347, MedGen C1846796, MONDO:0011773.
Metaphyseal chondrodysplasia, McKusick type (CHH). Also called: Cartilage-hair hypoplasia; Cartilage-Hair Hypoplasia (CHH). Identifiers: Orphanet 175, MedGen C0220748, MONDO:0009595, OMIM 250250.

Submissions (2):

Labcorp Genetics (formerly Invitae), Labcorp
Classification: Pathogenic for Anauxetic dysplasia. Last evaluated: 2026-01-24. Review status: criteria provided, single submitter. Criteria: Invitae Variant Classification Sherloc (09022015). Collection method: clinical testing. Allele origin: germline.
Comment: This variant occurs in the RMRP gene, which encodes an RNA molecule that does not result in a protein product. This variant is not present in population databases (gnomAD no frequency). While this particular variant has not been reported in the literature, it is located in the promoter region between the TATA box and the transcription initiation site, and other insertions and duplications immediately upstream of the coding sequence have been reported in individuals affected with cartilage-hair hypoplasia-anauxetic dysplasia (CHH-AD) spectrum disorders (PMID: 16244706, 11207361, 12107819). While functional studies for this variant have not been reported, experimental analyses using patient derived cells, as well as in vitro transfection studies, have shown that promoter insertions result in silencing of RMRP transcription and reduced expression of the gene product (PMID: 11207361, 16254002). For these reasons, this variant has been classified as Pathogenic.

Counsyl
Classification: Likely pathogenic for Metaphyseal chondrodysplasia, McKusick type. Last evaluated: 2018-01-04. Review status: no assertion criteria provided. Collection method: clinical testing. Allele origin: unknown. Not counted in ClinVar's aggregate classification.

Literature cited by the submitters: PubMed 16244706 (cited by Labcorp Genetics (formerly Invitae), Labcorp); PubMed 11207361 (cited by Labcorp Genetics (formerly Invitae), Labcorp); PubMed 12107819 (cited by Labcorp Genetics (formerly Invitae), Labcorp); PubMed 16254002 (cited by Labcorp Genetics (formerly Invitae), Labcorp).

NR_003051.3(RMRP):n.-3_-2ins20

Gene: RMRP (RNA component of mitochondrial RNA processing endoribonuclease; minus strand). Cytogenetic location: 9p13.3.
Variant type: Insertion.
Genome position: GRCh38 VCF-style: chr9-35658020-C-CGTTCTCAGCTTCACAGAGTG. GRCh37 (hg19) VCF-style: chr9-35658017-C-CGTTCTCAGCTTCACAGAGTG.
Identifiers: ClinVar variation 555959 (VCV000555959.4), dbSNP rs1554651405, ClinGen allele CA915947444.
Genomic context (GRCh38, chr9:35,658,020, plus strand): 5'-AAAGGGGAGGAACAGAGTCCTCAGTGTGTAGCCTAGGATACAGGCCTTCAGCACGAACCA[C>CGTTCTCAGCTTCACAGAGTG]GTCCTCAGCTTCACAGAGTAGTATTTTATAGCCCTAAAGAAATTGTGTTTTATGATTAGG-3'